The following is an entry in ClinVar:

ClinVar aggregate classification (germline): Uncertain significance (1 of 4 stars; one submission).

gnomAD v4.1: 1 of 1,614,220 alleles (0.000062%); highest among the groups gnomAD compares: Non-Finnish European, 0.000085%; no homozygotes.

Submission:

GeneDx
Classification: Uncertain significance. Last evaluated: 2026-03-13. Review status: criteria provided, single submitter. Criteria: GeneDx Variant Classification Process June 2021. Collection method: clinical testing. Allele origin: germline.
Comment: Not observed at significant frequency in large population cohorts (gnomAD); In silico analysis suggests that this missense variant does not alter protein structure/function; Has not been previously published as pathogenic or benign to our knowledge

NM_015001.3(SPEN):c.5333A>G (p.Asp1778Gly)

Gene: SPEN (spen family transcriptional repressor; plus strand). Cytogenetic location: 1p36.13.
Variant type: single nucleotide variant.
Coding change: c.5333A>G on transcript NM_015001.3 (MANE Select); coding-DNA position 5333, A replaced by G.
Protein change: p.Asp1778Gly; replaces aspartic acid 1778 with glycine.
Molecular consequence: missense variant.
Genome position (GRCh38, 1-based): chr1:15,931,573, A>G. VCF-style: chr1-15931573-A-G. GRCh37 (hg19) VCF-style: chr1-16258068-A-G.
Other names: short protein forms D1778G.
Identifiers: ClinVar variation 5009193 (VCV005009193.1).